The following is an entry in ClinVar:

ClinVar aggregate classification (germline): Uncertain significance (1 of 4 stars; one submission).

Conditions:
Naxos disease (NXD). Also called: KERATOSIS PALMOPLANTARIS WITH ARRHYTHMOGENIC CARDIOMYOPATHY; MAL DE NAXOS; PALMOPLANTAR KERATODERMA WITH ARRHYTHMOGENIC RIGHT VENTRICULAR CARDIOMYOPATHY AND WOOLLY HAIR; CARDIOMYOPATHY, ARRHYTHMOGENIC RIGHT VENTRICULAR, WITH SKIN, HAIR, AND NAIL ABNORMALITIES; WOOLLY HAIR, PALMOPLANTAR KERATODERMA, AND CARDIAC ABNORMALITIES. Identifiers: Orphanet 34217, MedGen C1832600, MONDO:0011017, OMIM 601214.
Arrhythmogenic right ventricular dysplasia 12. Also called: ARRHYTHMOGENIC RIGHT VENTRICULAR DYSPLASIA, FAMILIAL, 12. Identifiers: MedGen C1969081, MONDO:0012684, OMIM 611528.

Submission:

Labcorp Genetics (formerly Invitae), Labcorp
Classification: Uncertain significance for Arrhythmogenic right ventricular dysplasia 12; Naxos disease. Last evaluated: 2025-03-20. Review status: criteria provided, single submitter. Criteria: Invitae Variant Classification Sherloc (09022015). Collection method: clinical testing. Allele origin: germline.
Comment: This variant, c.1386_1400dup, results in the insertion of 5 amino acid(s) of the JUP protein (p.Thr463_Pro467dup), but otherwise preserves the integrity of the reading frame. This variant is not present in population databases (gnomAD no frequency). This variant has not been reported in the literature in individuals affected with JUP-related conditions. In summary, the available evidence is currently insufficient to determine the role of this variant in disease. Therefore, it has been classified as a Variant of Uncertain Significance.

NM_002230.4(JUP):c.1386_1400dup (p.Pro467_Glu468insThrSerArgHisPro)

Gene: JUP (junction plakoglobin; minus strand). Cytogenetic location: 17q21.2.
Variant type: Duplication.
Coding change: c.1386_1400dup on transcript NM_002230.4 (MANE Select); coding-DNA positions 1386 to 1400, 15 bases duplicated (CACTAGCCGCCACCC).
Protein change: p.Pro467_Glu468insThrSerArgHisPro.
Genome position (GRCh38, 1-based): chr17:41,763,080-41,763,094, GGGTGGCGGCTAGTG duplicated on the plus strand (CACTAGCCGCCACCC on the coding strand, the reverse complement: JUP is on the minus strand). VCF-style (leftmost placement, unchanged base first): chr17-41763079-A-AGGGTGGCGGCTAGTG. GRCh37 (hg19) VCF-style: chr17-39919331-A-AGGGTGGCGGCTAGTG.
Other names: c.1386_1400dup, p.Pro467_Glu468insThrSerArgHisPro (NM_001352773.2, NM_001352774.2, NM_001352775.2 and 3 more transcripts).
Identifiers: ClinVar variation 4784490 (VCV004784490.1).